The following is an entry in ClinVar:

ClinVar aggregate classification (germline): Uncertain significance (1 of 4 stars; one submission).

Submission:

Labcorp Genetics (formerly Invitae), Labcorp
Classification: Uncertain significance. Last evaluated: 2025-07-24. Review status: criteria provided, single submitter. Criteria: Invitae Variant Classification Sherloc (09022015). Collection method: clinical testing. Allele origin: germline.
Comment: This sequence change creates a premature translational stop signal (p.Glu241*) in the DMP1 gene. While this is not anticipated to result in nonsense mediated decay, it is expected to disrupt the last 273 amino acid(s) of the DMP1 protein. This variant is not present in population databases (gnomAD no frequency). This variant has not been reported in the literature in individuals affected with DMP1-related conditions. Experimental studies and prediction algorithms are not available or were not evaluated, and the functional significance of this variant is currently unknown. In summary, the available evidence is currently insufficient to determine the role of this variant in disease. Therefore, it has been classified as a Variant of Uncertain Significance.

NM_004407.4(DMP1):c.721G>T (p.Glu241Ter)

Genes: DMP1 (dentin matrix acidic phosphoprotein 1; plus strand), DMP1-AS1 (DMP1 and DSPP antisense RNA 1; minus strand). Cytogenetic location: 4q22.1.
Variant type: single nucleotide variant.
Coding change: c.721G>T on transcript NM_004407.4 (MANE Select); coding-DNA position 721, G replaced by T.
Protein change: p.Glu241Ter; replaces glutamic acid 241 with a stop codon.
Molecular consequence: nonsense.
Genome position (GRCh38, 1-based): chr4:87,662,499, G>T. VCF-style: chr4-87662499-G-T. GRCh37 (hg19) VCF-style: chr4-88583651-G-T.
Other names: c.673G>T, p.Glu225Ter (NM_001079911.3); short protein forms E225*, E241*.
Identifiers: ClinVar variation 4723960 (VCV004723960.1).